The following is an entry in ClinVar:

ClinVar aggregate classification (germline): Uncertain significance (1 of 4 stars; one submission).

Allele frequency attached by ClinVar (database versions not stated): gnomAD exomes 0.00001.
gnomAD v4.1: 7 of 1,613,328 alleles (0.00043%); highest among the groups gnomAD compares: South Asian, 0.0077%; no homozygotes.

Submission:

Labcorp Genetics (formerly Invitae), Labcorp
Classification: Uncertain significance. Last evaluated: 2023-02-17. Review status: criteria provided, single submitter. Criteria: Invitae Variant Classification Sherloc (09022015). Collection method: clinical testing. Allele origin: germline.
Comment: In summary, the available evidence is currently insufficient to determine the role of this variant in disease. Therefore, it has been classified as a Variant of Uncertain Significance. Variants that disrupt the consensus splice site are a relatively common cause of aberrant splicing (PMID: 17576681, 9536098). Algorithms developed to predict the effect of sequence changes on RNA splicing suggest that this variant is not likely to affect RNA splicing. This variant has not been reported in the literature in individuals affected with ATPAF2-related conditions. This variant is present in population databases (no rsID available, gnomAD 0.006%). This sequence change falls in intron 5 of the ATPAF2 gene. It does not directly change the encoded amino acid sequence of the ATPAF2 protein. It affects a nucleotide within the consensus splice site.

Literature cited by the submitters: PubMed 17576681; PubMed 9536098.

NM_145691.4(ATPAF2):c.503+5G>C

Gene: ATPAF2 (ATP synthase mitochondrial F1 complex assembly factor 2; minus strand). Cytogenetic location: 17p11.2.
Variant type: single nucleotide variant.
Coding change: c.503+5G>C on transcript NM_145691.4 (MANE Select); 5 bases into the intron after coding-DNA position 503, G replaced by C.
Molecular consequence: intron variant.
Genome position (GRCh38, 1-based): chr17:18,024,619, C>G on the plus strand (G>C on the coding strand, the complement: ATPAF2 is on the minus strand). VCF-style: chr17-18024619-C-G. GRCh37 (hg19) VCF-style: chr17-17927933-C-G.
Identifiers: ClinVar variation 2784783 (VCV002784783.3), dbSNP rs1324958569, ClinGen allele CA625038117.